The following is an entry in ClinVar:

NM_001162501.2(TNRC6B):c.5320C>T (p.Gln1774Ter)

Gene: TNRC6B (trinucleotide repeat containing adaptor 6B; plus strand). Cytogenetic location: 22q13.1.
Variant type: single nucleotide variant.
Coding change: c.5320C>T on transcript NM_001162501.2 (MANE Select); coding-DNA position 5320, C replaced by T.
Protein change: p.Gln1774Ter; replaces glutamine 1774 with a stop codon.
Molecular consequence: nonsense.
Genome position (GRCh38, 1-based): chr22:40,323,059, C>T. VCF-style: chr22-40323059-C-T. GRCh37 (hg19) VCF-style: chr22-40719063-C-T.
Other names: c.2908C>T, p.Gln970Ter (NM_001024843.2); c.4990C>T, p.Gln1664Ter (NM_015088.3); short protein forms Q1664*, Q1774*, Q970*.
Identifiers: ClinVar variation 4279930 (VCV004279930.1).

ClinVar aggregate classification (germline): Uncertain significance (1 of 4 stars; one submission).

Conditions:
Global developmental delay with speech and behavioral abnormalities. Identifiers: MedGen C5543226, MONDO:0030995, OMIM 619243.

Submission:

Clinical Genomics Laboratory, Washington University in St. Louis
Classification: Uncertain significance for Global developmental delay with speech and behavioral abnormalities. Last evaluated: 2025-02-11. Review status: criteria provided, single submitter. Criteria: ACMG Guidelines, 2015. Collection method: clinical testing. Allele origin: germline.
Comment: The TNRC6B c.5320C>T (p.Gln1774*) variant, to our knowledge, has not been reported in the medical literature nor in the ClinVar database. This variant is absent from the general population (gnomAD v.2.1.1), indicating it is not a common variant. This variant causes premature stop; however, because this occurs in the last exon, this is not predicted to lead to nonsense mediated decay. Due to limited information, and based on ACMG/AMP guidelines for variant interpretation (Richards S et al., PMID: 25741868), the clinical significance of this variant is uncertain at this time.